The following is an entry in ClinVar:

ClinVar aggregate classification (germline): Pathogenic (1 of 4 stars; one submission).

Conditions:
Inborn genetic diseases. Identifiers: MedGen C0950123, MeSH D030342.

Submission:

Ambry Genetics
Classification: Pathogenic for Inborn genetic diseases. Last evaluated: 2025-11-13. Review status: criteria provided, single submitter. Criteria: Ambry Variant Classification Scheme 2023. Collection method: clinical testing. Allele origin: germline.
Comment: The c.3244C>T (p.Q1082*) alteration, located in exon 9 (coding exon 7) of the ANKRD11 gene, consists of a C to T substitution at nucleotide position 3244. This changes the amino acid from a glutamine (Q) to a stop codon at amino acid position 1082. This alteration is expected to result in loss of function by premature protein truncation or nonsense-mediated mRNA decay. This variant was not reported in population-based cohorts in the Genome Aggregation Database (gnomAD). Based on the available evidence, this alteration is classified as pathogenic.

NM_013275.6(ANKRD11):c.3244C>T (p.Gln1082Ter)

Gene: ANKRD11 (ankyrin repeat domain 11; minus strand). Cytogenetic location: 16q24.3.
Variant type: single nucleotide variant.
Coding change: c.3244C>T on transcript NM_013275.6 (MANE Select); coding-DNA position 3244, C replaced by T.
Protein change: p.Gln1082Ter; replaces glutamine 1082 with a stop codon.
Molecular consequence: nonsense.
Genome position (GRCh38, 1-based): chr16:89,283,298, G>A on the plus strand (C>T on the coding strand, the complement: ANKRD11 is on the minus strand). VCF-style: chr16-89283298-G-A. GRCh37 (hg19) VCF-style: chr16-89349706-G-A.
Other names: c.3244C>T, p.Gln1082Ter (NM_001256182.2, NM_001256183.2); short protein forms Q1082*.
Identifiers: ClinVar variation 985906 (VCV000985906.4), dbSNP rs2034413419, ClinGen allele CA397160254.